The following is an entry in ClinVar:

ClinVar aggregate classification (germline): Uncertain significance. Review status: criteria provided, multiple submitters, no conflicts (2 of 4 stars). 2 submissions from 2 submitters: Uncertain significance (2). Last evaluated 2026-04-14.

Conditions:
Hereditary cancer-predisposing syndrome. Also called: Hereditary neoplastic syndrome; Neoplastic Syndromes, Hereditary; Tumor predisposition; Hereditary Cancer Syndrome. Identifiers: Orphanet 140162, MedGen C0027672, MeSH D009386, MONDO:0015356.

Allele frequency attached by ClinVar (database versions not stated): gnomAD exomes below 0.00001.
gnomAD v4.1: 1 of 1,613,856 alleles (0.000062%); highest among the groups gnomAD compares: Non-Finnish European, 0.000085%; no homozygotes.

Submissions (2):

Ambry Genetics
Classification: Uncertain significance for Hereditary cancer-predisposing syndrome. Last evaluated: 2026-04-14. Review status: criteria provided, single submitter. Criteria: Ambry Variant Classification Scheme 2023. Collection method: clinical testing. Allele origin: germline.
Comment: The p.T262S variant (also known as c.784A>T), located in coding exon 5 of the NTHL1 gene, results from an A to T substitution at nucleotide position 784. The threonine at codon 262 is replaced by serine, an amino acid with similar properties. This amino acid position is highly conserved in available vertebrate species. In addition, the in silico prediction for this alteration is inconclusive. Based on the available evidence, the clinical significance of this variant remains unclear.

Labcorp Genetics (formerly Invitae), Labcorp
Classification: Uncertain significance. Last evaluated: 2024-05-28. Review status: criteria provided, single submitter. Criteria: Invitae Variant Classification Sherloc (09022015). Collection method: clinical testing. Allele origin: germline.
Comment: This sequence change replaces threonine, which is neutral and polar, with serine, which is neutral and polar, at codon 262 of the NTHL1 protein (p.Thr262Ser). This variant is present in population databases (no rsID available, gnomAD 0.0009%). This variant has not been reported in the literature in individuals affected with NTHL1-related conditions. ClinVar contains an entry for this variant (Variation ID: 1059448). An algorithm developed to predict the effect of missense changes on protein structure and function (PolyPhen-2) suggests that this variant is likely to be disruptive. In summary, the available evidence is currently insufficient to determine the role of this variant in disease. Therefore, it has been classified as a Variant of Uncertain Significance.

NM_002528.7(NTHL1):c.760A>T (p.Thr254Ser)

Gene: NTHL1 (nth like DNA glycosylase 1; minus strand). Cytogenetic location: 16p13.3.
Variant type: single nucleotide variant.
Coding change: c.760A>T on transcript NM_002528.7 (MANE Select); coding-DNA position 760, A replaced by T.
Protein change: p.Thr254Ser; replaces threonine 254 with serine.
Molecular consequence: missense variant.
Genome position (GRCh38, 1-based): chr16:2,040,164, T>A on the plus strand (A>T on the coding strand, the complement: NTHL1 is on the minus strand). VCF-style: chr16-2040164-T-A. GRCh37 (hg19) VCF-style: chr16-2090165-T-A.
Other names: c.784A>T (NM_002528.5); c.589A>T, p.Thr197Ser (NM_001318193.2); c.430A>T, p.Thr144Ser (NM_001318194.2); short protein forms T144S, T197S, T254S.
Identifiers: ClinVar variation 1059448 (VCV001059448.8), dbSNP rs1351830163, ClinGen allele CA394288836.